The following is an entry in ClinVar:

ClinVar aggregate classification (germline): Uncertain significance (1 of 4 stars; one submission).

Conditions:
Autosomal dominant nonsyndromic hearing loss 65. Also called: Deafness, autosomal dominant 65; TBC1D24-Related Autosomal Dominant Nonsyndromic Hearing Loss (DFNA). Identifiers: Orphanet 90635, MedGen C3892048, MONDO:0014470, OMIM 616044.
Developmental and epileptic encephalopathy, 1 (DEE1). Also called: INFANTILE SPASM SYNDROME, X-LINKED 1; X-linked infantile spasms; West's syndrome; Tonic spasms with clustering, arrest of psychomotor development and hypsarrhythmia on EEG; X-Linked Infantile Spasm Syndrome; OHTAHARA SYNDROME, X-LINKED. Identifiers: MedGen C3463992, MONDO:0010632, OMIM 308350. Disease mechanism: loss of function.

Submission:

Labcorp Genetics (formerly Invitae), Labcorp
Classification: Uncertain significance for Developmental and epileptic encephalopathy, 1; Autosomal dominant nonsyndromic hearing loss 65. Last evaluated: 2025-12-21. Review status: criteria provided, single submitter. Criteria: Invitae Variant Classification Sherloc (09022015). Collection method: clinical testing. Allele origin: germline.
Comment: This sequence change replaces proline, which is neutral and non-polar, with histidine, which is basic and polar, at codon 463 of the TBC1D24 protein (p.Pro463His). This variant is not present in population databases (gnomAD no frequency). This variant has not been reported in the literature in individuals affected with TBC1D24-related conditions. Invitae Evidence Modeling of protein sequence and biophysical properties (such as structural, functional, and spatial information, amino acid conservation, physicochemical variation, residue mobility, and thermodynamic stability) indicates that this missense variant is not expected to disrupt TBC1D24 protein function with a negative predictive value of 95%. In summary, the available evidence is currently insufficient to determine the role of this variant in disease. Therefore, it has been classified as a Variant of Uncertain Significance.

NM_001199107.2(TBC1D24):c.1388C>A (p.Pro463His)

Gene: TBC1D24 (TBC1 domain family member 24; plus strand). Cytogenetic location: 16p13.3.
Variant type: single nucleotide variant.
Coding change: c.1388C>A on transcript NM_001199107.2 (MANE Select); coding-DNA position 1388, C replaced by A.
Protein change: p.Pro463His; replaces proline 463 with histidine.
Molecular consequence: missense variant.
Genome position (GRCh38, 1-based): chr16:2,500,353, C>A. VCF-style: chr16-2500353-C-A. GRCh37 (hg19) VCF-style: chr16-2550354-C-A.
Other names: c.1370C>A, p.Pro457His (NM_020705.3); short protein forms P457H, P463H.
Identifiers: ClinVar variation 4812327 (VCV004812327.1).